The following is an entry in ClinVar:

NM_007315.4(STAT1):c.2145T>C (p.Ser715=)

Gene: STAT1 (signal transducer and activator of transcription 1; minus strand). Cytogenetic location: 2q32.2.
Variant type: single nucleotide variant.
Coding change: c.2145T>C on transcript NM_007315.4 (MANE Select); coding-DNA position 2145, T replaced by C.
Protein change: p.Ser715=; no amino-acid change (serine 715 retained).
Molecular consequence: synonymous variant. On other transcripts: intron variant (2).
Genome position (GRCh38, 1-based): chr2:190,974,923, A>G on the plus strand (T>C on the coding strand, the complement: STAT1 is on the minus strand). VCF-style: chr2-190974923-A-G. GRCh37 (hg19) VCF-style: chr2-191839649-A-G.
Other names: c.2085T>C, p.Ser695= (NM_001384880.1); c.2151T>C, p.Ser717= (NM_001384881.1); c.2139T>C, p.Ser713= (NM_001384882.1); c.2046T>C, p.Ser682= (NM_001384883.1); c.1986T>C, p.Ser662= (NM_001384885.1); c.2169T>C, p.Ser723= (NM_001384886.1); c.2052T>C, p.Ser684= (NM_001384887.1); c.2115T>C, p.Ser705= (NM_001384888.1); and 4 more.
Identifiers: ClinVar variation 513400 (VCV000513400.1), dbSNP rs1553491984, ClinGen allele CA430330982.

ClinVar aggregate classification (germline): Likely benign (1 of 4 stars; one submission).

Submission:

GeneDx
Classification: Likely benign. Last evaluated: 2017-11-21. Review status: criteria provided, single submitter. Criteria: GeneDx Variant Classification (06012015). Collection method: clinical testing. Allele origin: germline. Affected: yes.
Comment: This variant is considered likely benign or benign based on one or more of the following criteria: it is a conservative change, it occurs at a poorly conserved position in the protein, it is predicted to be benign by multiple in silico algorithms, and/or has population frequency not consistent with disease.